The following is an entry in ClinVar:

NM_173689.7(CRB2):c.3349G>A (p.Glu1117Lys)

Gene: CRB2 (crumbs cell polarity complex component 2; plus strand). Cytogenetic location: 9q33.3.
Variant type: single nucleotide variant.
Coding change: c.3349G>A on transcript NM_173689.7 (MANE Select); coding-DNA position 3349, G replaced by A.
Protein change: p.Glu1117Lys; replaces glutamic acid 1117 with lysine.
Molecular consequence: missense variant. On other transcripts: non-coding transcript variant (1).
Genome position (GRCh38, 1-based): chr9:123,373,880, G>A. VCF-style: chr9-123373880-G-A. GRCh37 (hg19) VCF-style: chr9-126136159-G-A.
Other names: short protein forms E1117K.
Identifiers: ClinVar variation 1723504 (VCV001723504.2), dbSNP rs2132795310, ClinGen allele CA374868530.

ClinVar aggregate classification (germline): Uncertain significance (1 of 4 stars; one submission).

Allele frequency attached by ClinVar (database versions not stated): gnomAD exomes below 0.00001.
gnomAD v4.1: 1 of 1,549,328 alleles (0.000065%); highest among the groups gnomAD compares: Non-Finnish European, 0.000087%; no homozygotes.

Submission:

GeneDx
Classification: Uncertain significance. Last evaluated: 2022-05-12. Review status: criteria provided, single submitter. Criteria: GeneDx Variant Classification Process June 2021. Collection method: clinical testing. Allele origin: germline. Affected: yes.
Comment: Not observed at significant frequency in large population cohorts (gnomAD); In silico analysis supports that this missense variant does not alter protein structure/function; Has not been previously published as pathogenic or benign to our knowledge